The following is an entry in ClinVar:

NM_000051.4(ATM):c.8332G>A (p.Glu2778Lys)

Genes: C11orf65 (chromosome 11 open reading frame 65; minus strand), ATM (ATM serine/threonine kinase; plus strand). Cytogenetic location: 11q22.3.
Variant type: single nucleotide variant.
Coding change: c.8332G>A on transcript NM_000051.4 (MANE Select); coding-DNA position 8332, G replaced by A.
Protein change: p.Glu2778Lys; replaces glutamic acid 2778 with lysine.
Molecular consequence: missense variant. On other transcripts: intron variant (2).
Genome position (GRCh38, 1-based): chr11:108,343,285, G>A. VCF-style: chr11-108343285-G-A. GRCh37 (hg19) VCF-style: chr11-108214012-G-A.
Other names: c.8332G>A, p.Glu2778Lys (NM_001351834.2); c.641-34214C>T (NM_001330368.2); c.695-7993C>T (NM_001351110.2); short protein forms E2778K.
Identifiers: ClinVar variation 1762969 (VCV001762969.5), dbSNP rs2136946265, ClinGen allele CA382516430.
Genomic context (GRCh38, chr11:108,343,285, plus strand): 5'-GTTCCCCTCTCTCAGCGAAGTGGTGTTCTTGAATGGTGCACAGGAACTGTCCCCATTGGT[G>A]AATTTCTTGTTAACAATGAAGATGGTGCTCATAAAAGATACAGGCCAAATGATTTCAGTG-3'
Protein context (NP_000042.3, residues 2768-2788): EWCTGTVPIG[Glu2778Lys]FLVNNEDGAH

ClinVar aggregate classification (germline): Uncertain significance. Review status: criteria provided, multiple submitters, no conflicts (2 of 4 stars). 2 submissions from 2 submitters: Uncertain significance (2). Last evaluated 2023-02-13.

Conditions:
Ataxia-telangiectasia syndrome (AT). Also called: Ataxia telangiectasia (A-T); LOUIS-BAR SYNDROME; Cerebello-oculocutaneous telangiectasia; Immunodeficiency with ataxia telangiectasia; Ataxia-telangiectasia, complementation group D; AT, COMPLEMENTATION GROUP C. Identifiers: Orphanet 100, MedGen C0004135, MONDO:0008840, OMIM 208900.
Hereditary cancer-predisposing syndrome. Also called: Hereditary neoplastic syndrome; Neoplastic Syndromes, Hereditary; Tumor predisposition; Hereditary Cancer Syndrome. Identifiers: Orphanet 140162, MedGen C0027672, MeSH D009386, MONDO:0015356.

Submissions (2):

Labcorp Genetics (formerly Invitae), Labcorp
Classification: Uncertain significance for Ataxia-telangiectasia syndrome. Last evaluated: 2023-02-13. Review status: criteria provided, single submitter. Criteria: Invitae Variant Classification Sherloc (09022015). Collection method: clinical testing. Allele origin: germline.
Comment: In summary, the available evidence is currently insufficient to determine the role of this variant in disease. Therefore, it has been classified as a Variant of Uncertain Significance. Algorithms developed to predict the effect of missense changes on protein structure and function are either unavailable or do not agree on the potential impact of this missense change (SIFT: "Tolerated"; PolyPhen-2: "Possibly Damaging"; Align-GVGD: "Class C0"). ClinVar contains an entry for this variant (Variation ID: 1762969). This variant has not been reported in the literature in individuals affected with ATM-related conditions. This variant is not present in population databases (gnomAD no frequency). This sequence change replaces glutamic acid, which is acidic and polar, with lysine, which is basic and polar, at codon 2778 of the ATM protein (p.Glu2778Lys).

Ambry Genetics
Classification: Uncertain significance for Hereditary cancer-predisposing syndrome. Last evaluated: 2022-02-06. Review status: criteria provided, single submitter. Criteria: Ambry Variant Classification Scheme 2023. Collection method: clinical testing. Allele origin: germline.
Comment: The p.E2778K variant (also known as c.8332G>A), located in coding exon 56 of the ATM gene, results from a G to A substitution at nucleotide position 8332. The glutamic acid at codon 2778 is replaced by lysine, an amino acid with similar properties. This amino acid position is conserved. In addition, the in silico prediction for this alteration is inconclusive. Since supporting evidence is limited at this time, the clinical significance of this alteration remains unclear.